The following is an entry in ClinVar:

NM_000093.5(COL5A1):c.5071A>G (p.Arg1691Gly)

Genes: COL5A1 (collagen type V alpha 1 chain; plus strand), LOC101448202 (uncharacterized LOC101448202; minus strand). Cytogenetic location: 9q34.3.
Variant type: single nucleotide variant.
Coding change: c.5071A>G on transcript NM_000093.5 (MANE Select); coding-DNA position 5071, A replaced by G.
Protein change: p.Arg1691Gly; replaces arginine 1691 with glycine.
Molecular consequence: missense variant. On other transcripts: intron variant (1).
Genome position (GRCh38, 1-based): chr9:134,829,979, A>G. VCF-style: chr9-134829979-A-G. GRCh37 (hg19) VCF-style: chr9-137721825-A-G.
Other names: c.5068-129A>G (NM_001278074.1); short protein forms R1691G.
Identifiers: ClinVar variation 3635961 (VCV003635961.2).

ClinVar aggregate classification (germline): Uncertain significance (1 of 4 stars; one submission).

Conditions:
Ehlers-Danlos syndrome, classic type, 1 (EDSCL1). Also called: EHLERS-DANLOS SYNDROME, GRAVIS TYPE; EHLERS-DANLOS SYNDROME, SEVERE CLASSIC TYPE; Ehlers-Danlos syndrome, type 1; Ehlers-Danlos Syndrome, Classic Type, COL5A1-Related; EDS I. Identifiers: MedGen C0268335, MONDO:0019567, OMIM 130000.

Submission:

Labcorp Genetics (formerly Invitae), Labcorp
Classification: Uncertain significance for Ehlers-Danlos syndrome, classic type, 1. Last evaluated: 2024-05-02. Review status: criteria provided, single submitter. Criteria: Invitae Variant Classification Sherloc (09022015). Collection method: clinical testing. Allele origin: germline.
Comment: This sequence change replaces arginine, which is basic and polar, with glycine, which is neutral and non-polar, at codon 1691 of the COL5A1 protein (p.Arg1691Gly). This variant is not present in population databases (gnomAD no frequency). This variant has not been reported in the literature in individuals affected with COL5A1-related conditions. Advanced modeling of protein sequence and biophysical properties (such as structural, functional, and spatial information, amino acid conservation, physicochemical variation, residue mobility, and thermodynamic stability) performed at Invitae indicates that this missense variant is not expected to disrupt COL5A1 protein function with a negative predictive value of 95%. In summary, the available evidence is currently insufficient to determine the role of this variant in disease. Therefore, it has been classified as a Variant of Uncertain Significance.